The following is an entry in ClinVar:

NM_014363.6(SACS):c.8279dup (p.Asn2760fs)

Gene: SACS (sacsin molecular chaperone; minus strand). Cytogenetic location: 13q12.12.
Variant type: Duplication.
Coding change: c.8279dup on transcript NM_014363.6 (MANE Select); coding-DNA position 8279, one base duplicated (A; older notation c.8279dupA).
Protein change: p.Asn2760fs; shifts the reading frame from asparagine 2760.
Molecular consequence: frameshift variant.
Genome position (GRCh38, 1-based): chr13:23,335,597, T duplicated on the plus strand (A on the coding strand, the reverse complement: SACS is on the minus strand); the first of 3 consecutive T bases (chr13:23,335,597-23,335,599); duplicating any one gives the same sequence. VCF-style (leftmost placement, unchanged base first): chr13-23335596-A-AT. GRCh37 (hg19) VCF-style: chr13-23909735-A-AT.
Other names: c.7838dup, p.Asn2613fs (NM_001278055.2); short protein forms N2760fs, N2613fs.
Identifiers: ClinVar variation 3575802 (VCV003575802.3).
Genomic context (GRCh38, chr13:23,335,596, plus strand): 5'-AAATTGTTTCCTTTTCAATCTGTCTCCATCTGTGATTTTGCCCTTTACTGAATACAGCAC[A>AT]TTTAGAGCTCCAGTACTCTTATCTATTTCACAAATAGAAATTTTTTCCATGTGATTAAGA-3'

ClinVar aggregate classification (germline): Pathogenic/Likely pathogenic. Review status: criteria provided, multiple submitters, no conflicts (2 of 4 stars). 2 submissions from 2 submitters: Pathogenic (1); Likely pathogenic (1). Last evaluated 2024-06-05.

Conditions:
Spastic paraplegia. Identifiers: MedGen C0037772, HP:0001258.
Charlevoix-Saguenay spastic ataxia (SACS). Also called: Spastic ataxia of Charlevoix-Saguenay; SPASTIC ATAXIA 6, AUTOSOMAL RECESSIVE; AUTOSOMAL RECESSIVE SPASTIC ATAXIA OF CHARLEVOIX-SAGUENAY. Identifiers: Orphanet 98, MedGen C1849140, MONDO:0010041, OMIM 270550.

Submissions (2):

Fulgent Genetics
Classification: Likely pathogenic for Charlevoix-Saguenay spastic ataxia. Last evaluated: 2024-06-05. Review status: criteria provided, single submitter. Criteria: ACMG Guidelines, 2015. Collection method: clinical testing. Allele origin: germline.

Labcorp Genetics (formerly Invitae), Labcorp
Classification: Pathogenic for Spastic paraplegia. Last evaluated: 2024-02-23. Review status: criteria provided, single submitter. Criteria: Invitae Variant Classification Sherloc (09022015). Collection method: clinical testing. Allele origin: germline.
Comment: This sequence change creates a premature translational stop signal (p.Asn2760Lysfs*27) in the SACS gene. While this is not anticipated to result in nonsense mediated decay, it is expected to disrupt the last 1820 amino acid(s) of the SACS protein. This variant is present in population databases (rs757465370, gnomAD 0.0009%). This variant has not been reported in the literature in individuals affected with SACS-related conditions. This variant disrupts a region of the SACS protein in which other variant(s) (p.Asn4549Asp) have been determined to be pathogenic (PMID: 15156359, 21507954). This suggests that this is a clinically significant region of the protein, and that variants that disrupt it are likely to be disease-causing. For these reasons, this variant has been classified as Pathogenic.

Literature cited by the submitters: PubMed 15156359 (cited by Labcorp Genetics (formerly Invitae), Labcorp); PubMed 21507954 (cited by Labcorp Genetics (formerly Invitae), Labcorp).